The following is an entry in ClinVar:

ClinVar aggregate classification (germline): Uncertain significance (1 of 4 stars; one submission).

Allele frequency attached by ClinVar (database versions not stated): gnomAD 0.00001; gnomAD exomes 0.00001; TOPMed 0.00002.
gnomAD v4.1: 5 of 1,613,960 alleles (0.00031%); highest among the groups gnomAD compares: Non-Finnish European, 0.00042%; no homozygotes.

Submission:

Labcorp Genetics (formerly Invitae), Labcorp
Classification: Uncertain significance. Last evaluated: 2025-07-09. Review status: criteria provided, single submitter. Criteria: Invitae Variant Classification Sherloc (09022015). Collection method: clinical testing. Allele origin: germline.
Comment: This sequence change replaces glutamic acid, which is acidic and polar, with alanine, which is neutral and non-polar, at codon 1033 of the FLNB protein (p.Glu1033Ala). This variant is not present in population databases (gnomAD no frequency). This variant has not been reported in the literature in individuals affected with FLNB-related conditions. ClinVar contains an entry for this variant (Variation ID: 2962289). Invitae Evidence Modeling of protein sequence and biophysical properties (such as structural, functional, and spatial information, amino acid conservation, physicochemical variation, residue mobility, and thermodynamic stability) indicates that this missense variant is not expected to disrupt FLNB protein function with a negative predictive value of 95%. In summary, the available evidence is currently insufficient to determine the role of this variant in disease. Therefore, it has been classified as a Variant of Uncertain Significance.

NM_001457.4(FLNB):c.3098A>C (p.Glu1033Ala)

Gene: FLNB (filamin B; plus strand). Cytogenetic location: 3p14.3.
Variant type: single nucleotide variant.
Coding change: c.3098A>C on transcript NM_001457.4 (MANE Select); coding-DNA position 3098, A replaced by C.
Protein change: p.Glu1033Ala; replaces glutamic acid 1033 with alanine.
Molecular consequence: missense variant.
Genome position (GRCh38, 1-based): chr3:58,121,475, A>C. VCF-style: chr3-58121475-A-C. GRCh37 (hg19) VCF-style: chr3-58107202-A-C.
Other names: c.3098A>C, p.Glu1033Ala (NM_001164317.2, NM_001164318.2, NM_001164319.2); short protein forms E1033A.
Identifiers: ClinVar variation 2962289 (VCV002962289.3), dbSNP rs199930817, ClinGen allele CA75445853.